The following is an entry in ClinVar:

ClinVar aggregate classification (germline): Conflicting classifications of pathogenicity. Review status: criteria provided, conflicting classifications (1 of 4 stars). 5 submissions from 5 submitters: Uncertain significance (1); Benign (1); Likely benign (3). Last evaluated 2026-07-07.

Conditions:
Intellectual disability, autosomal dominant 16 (CSS4). Also called: COFFIN-SIRIS SYNDROME 4. Identifiers: Orphanet 1465, MedGen C3553249, MONDO:0013821, OMIM 614609.
Rhabdoid tumor predisposition syndrome 2 (RTPS2). Identifiers: Orphanet 231108, Orphanet 69077, MedGen C2750074, MONDO:0013224, OMIM 613325.

Allele frequency attached by ClinVar (database versions not stated): gnomAD 0.00001; 1000 Genomes Project 30x 0.00031; gnomAD exomes 0.00003; ExAC 0.00005; TOPMed 0.00002; 1000 Genomes Project 0.00040.
gnomAD v4.1: 18 of 1,608,748 alleles (0.0011%); highest among the groups gnomAD compares: South Asian, 0.011%; no homozygotes.

Submissions (5):

Myriad Genetics, Inc.
Classification: Likely benign for Rhabdoid tumor predisposition syndrome 2. Last evaluated: 2026-07-07. Review status: criteria provided, single submitter. Criteria: Myriad Autosomal Dominant, Autosomal Recessive and X-Linked Classification Criteria (2023). Collection method: clinical testing. Allele origin: unknown.
Comment: This variant is considered likely benign. This variant is intronic and is not expected to impact mRNA splicing.

Labcorp Genetics (formerly Invitae), Labcorp
Classification: Likely benign for Rhabdoid tumor predisposition syndrome 2. Last evaluated: 2025-11-20. Review status: criteria provided, single submitter. Criteria: Invitae Variant Classification Sherloc (09022015). Collection method: clinical testing. Allele origin: germline.

Quest Diagnostics Nichols Institute San Juan Capistrano
Classification: Benign. Last evaluated: 2023-02-16. Review status: criteria provided, single submitter. Criteria: Quest Diagnostics criteria. Collection method: clinical testing. Allele origin: unknown.

Genome-Nilou Lab
Classification: Likely benign for Intellectual disability, autosomal dominant 16. Last evaluated: 2021-07-15. Review status: criteria provided, single submitter. Criteria: ACMG Guidelines, 2015. Collection method: clinical testing. Allele origin: germline. Affected: no.

Genetic Services Laboratory, University of Chicago
Classification: Uncertain significance. Last evaluated: 2016-01-04. Review status: criteria provided, single submitter. Criteria: ACMG Guidelines, 2015. Collection method: clinical testing. Allele origin: germline. Affected: no.

NM_003072.5(SMARCA4):c.3546+9G>A

Gene: SMARCA4 (SWI/SNF related BAF chromatin remodeling complex subunit ATPase 4; plus strand). Cytogenetic location: 19p13.2.
Variant type: single nucleotide variant.
Coding change: c.3546+9G>A on transcript NM_003072.5 (MANE Select); 9 bases into the intron after coding-DNA position 3546, G replaced by A.
Molecular consequence: intron variant.
Genome position (GRCh38, 1-based): chr19:11,030,902, G>A. VCF-style: chr19-11030902-G-A. GRCh37 (hg19) VCF-style: chr19-11141578-G-A.
Other names: c.3546+9G>A (NM_001128844.3, NM_001128849.3, NM_001128847.4 and 5 more transcripts).
Identifiers: ClinVar variation 436807 (VCV000436807.19), dbSNP rs544551192, ClinGen allele CA9204441.
Genomic context (GRCh38, chr19:11,030,902, plus strand): 5'-CCAGTCGGCAGACACTGTGATCATTTTTGACAGCGACTGGAATCCTCACCAGGTAAAAGC[G>A]GGCCGGGCCCCAGGTCGAGGAGAAGGAAGGGGGTGCCTGCAAAACCTCGAGGAGACGGCC-3'